The following is an entry in ClinVar:

ClinVar aggregate classification (germline): Uncertain significance (1 of 4 stars; one submission).

Conditions:
Hereditary cancer-predisposing syndrome. Also called: Hereditary neoplastic syndrome; Neoplastic Syndromes, Hereditary; Tumor predisposition; Hereditary Cancer Syndrome. Identifiers: Orphanet 140162, MedGen C0027672, MeSH D009386, MONDO:0015356.

Submission:

Ambry Genetics
Classification: Uncertain significance for Hereditary cancer-predisposing syndrome. Last evaluated: 2024-12-22. Review status: criteria provided, single submitter. Criteria: Ambry Variant Classification Scheme 2023. Collection method: clinical testing. Allele origin: germline.
Comment: The p.G927R variant (also known as c.2779G>A), located in coding exon 16 of the ALK gene, results from a G to A substitution at nucleotide position 2779. The glycine at codon 927 is replaced by arginine, an amino acid with dissimilar properties. This amino acid position is conserved. In addition, the in silico prediction for this alteration is inconclusive. Based on the available evidence, the clinical significance of this variant remains unclear.

NM_004304.5(ALK):c.2779G>A (p.Gly927Arg)

Gene: ALK (ALK receptor tyrosine kinase; minus strand). Cytogenetic location: 2p23.2.
Variant type: single nucleotide variant.
Coding change: c.2779G>A on transcript NM_004304.5 (MANE Select); coding-DNA position 2779, G replaced by A.
Protein change: p.Gly927Arg; replaces glycine 927 with arginine.
Molecular consequence: missense variant.
Genome position (GRCh38, 1-based): chr2:29,228,920, C>T on the plus strand (G>A on the coding strand, the complement: ALK is on the minus strand). VCF-style: chr2-29228920-C-T. GRCh37 (hg19) VCF-style: chr2-29451786-C-T.
Other names: short protein forms G927R.
Identifiers: ClinVar variation 3855040 (VCV003855040.1).